The following is an entry in ClinVar:

ClinVar aggregate classification (germline): Uncertain significance. Review status: criteria provided, multiple submitters, no conflicts (2 of 4 stars). 2 submissions from 2 submitters: Uncertain significance (2). Last evaluated 2022-11-30.

Submissions (2):

Labcorp Genetics (formerly Invitae), Labcorp
Classification: Uncertain significance. Last evaluated: 2022-11-30. Review status: criteria provided, single submitter. Criteria: Invitae Variant Classification Sherloc (09022015). Collection method: clinical testing. Allele origin: germline.
Comment: Advanced modeling of protein sequence and biophysical properties (such as structural, functional, and spatial information, amino acid conservation, physicochemical variation, residue mobility, and thermodynamic stability) performed at Invitae indicates that this missense variant is expected to disrupt SLC12A6 protein function. In summary, the available evidence is currently insufficient to determine the role of this variant in disease. Therefore, it has been classified as a Variant of Uncertain Significance. ClinVar contains an entry for this variant (Variation ID: 246015). This sequence change replaces asparagine, which is neutral and polar, with serine, which is neutral and polar, at codon 952 of the SLC12A6 protein (p.Asn952Ser). This variant is not present in population databases (gnomAD no frequency). This variant has not been reported in the literature in individuals affected with SLC12A6-related conditions.

GeneDx
Classification: Uncertain significance. Last evaluated: 2018-06-28. Review status: criteria provided, single submitter. Criteria: GeneDx Variant Classification (06012015). Collection method: clinical testing. Allele origin: germline. Affected: yes.
Comment: A variant of uncertain significance has been identified in the SLC12A6 gene. The N952S variant has not been published as a pathogenic variant, nor has it been reported as a benign variant to our knowledge. This variant is not observed in large population cohorts (Lek et al., 2016). In-silico analyses, including protein predictors and evolutionary conservation, support a deleterious effect. However, the N952S variant is a conservative amino acid substitution, which is not likely to impact secondary protein structure as these residues share similar properties. Therefore, based on the currently available information, it is unclear whether this variant is a pathogenic variant or a rare benign variant.

NM_001365088.1(SLC12A6):c.2855A>G (p.Asn952Ser)

Gene: SLC12A6 (solute carrier family 12 member 6; minus strand). Cytogenetic location: 15q14.
Variant type: single nucleotide variant.
Coding change: c.2855A>G on transcript NM_001365088.1 (MANE Select); coding-DNA position 2855, A replaced by G.
Protein change: p.Asn952Ser; replaces asparagine 952 with serine.
Molecular consequence: missense variant.
Genome position (GRCh38, 1-based): chr15:34,237,498, T>C on the plus strand (A>G on the coding strand, the complement: SLC12A6 is on the minus strand). VCF-style: chr15-34237498-T-C. GRCh37 (hg19) VCF-style: chr15-34529699-T-C.
Other names: c.2678A>G, p.Asn893Ser (NM_001042494.2, NM_001042495.2); c.2828A>G, p.Asn943Ser (NM_001042496.2); c.2810A>G, p.Asn937Ser (NM_001042497.2); c.2702A>G, p.Asn901Ser (NM_005135.2); c.2855A>G, p.Asn952Ser (NM_133647.2); short protein forms N901S, N952S, N943S, N937S, N893S.
Identifiers: ClinVar variation 246015 (VCV000246015.5), dbSNP rs879254048, ClinGen allele CA10584493.
Genomic context (GRCh38, chr15:34,237,498, plus strand): 5'-TCCGCCTCAATGCGTAAGTGATATAGGAAGGTGGCTAGGTCCTTCTTCATTTGGATACTG[T>C]TGTCTTCTAATTGGGCTACTGTGAAGATCCGTATGCTGCACTTTCGCCACACCTGAGAGA-3'
Protein context (NP_001352017.1, residues 942-962): RIFTVAQLED[Asn952Ser]SIQMKKDLAT